The following is an entry in ClinVar:

NM_000222.3(KIT):c.2837G>C (p.Arg946Pro)

Gene: KIT (KIT proto-oncogene, receptor tyrosine kinase; plus strand). Cytogenetic location: 4q12.
Variant type: single nucleotide variant.
Coding change: c.2837G>C on transcript NM_000222.3 (MANE Select); coding-DNA position 2837, G replaced by C.
Protein change: p.Arg946Pro; replaces arginine 946 with proline.
Molecular consequence: missense variant.
Genome position (GRCh38, 1-based): chr4:54,738,463, G>C. VCF-style: chr4-54738463-G-C. GRCh37 (hg19) VCF-style: chr4-55604629-G-C.
Other names: c.2837G>C (NM_000222.2); c.2825G>C, p.Arg942Pro (NM_001093772.2, NM_001385292.1); c.2840G>C, p.Arg947Pro (NM_001385284.1); c.2834G>C, p.Arg945Pro (NM_001385285.1); c.2822G>C, p.Arg941Pro (NM_001385286.1); c.2828G>C, p.Arg943Pro (NM_001385288.1); c.2837G>C, p.Arg946Pro (NM_001385290.1); short protein forms R943P, R945P, R946P, R947P, R941P, R942P.
Identifiers: ClinVar variation 1414718 (VCV001414718.9), dbSNP rs779103998, ClinGen allele CA2923880.

ClinVar aggregate classification (germline): Conflicting classifications of pathogenicity. Review status: criteria provided, conflicting classifications (1 of 4 stars). 2 submissions from 2 submitters: Uncertain significance (1); Likely benign (1). Last evaluated 2026-01-10.

Conditions:
Hereditary cancer-predisposing syndrome. Also called: Tumor predisposition; Hereditary Cancer Syndrome; Hereditary neoplastic syndrome; Neoplastic Syndromes, Hereditary. Identifiers: Orphanet 140162, MedGen C0027672, MeSH D009386, MONDO:0015356.
Gastrointestinal stromal tumor. Also called: Gastrointestinal stroma tumor; Gastrointestinal stromal tumor, somatic. Identifiers: Orphanet 44890, MedGen C0238198, MeSH D046152, MONDO:0011719, OMIM 606764, HP:0100723.

Allele frequency attached by ClinVar (database versions not stated): ExAC 0.00001.
gnomAD v4.1: 1 of 1,614,066 alleles (0.000062%); highest among the groups gnomAD compares: Admixed American, 0.0017%; no homozygotes.

Submissions (2):

Labcorp Genetics (formerly Invitae), Labcorp
Classification: Uncertain significance for Gastrointestinal stromal tumor. Last evaluated: 2026-01-10. Review status: criteria provided, single submitter. Criteria: Invitae Variant Classification Sherloc (09022015). Collection method: clinical testing. Allele origin: germline.
Comment: This sequence change replaces arginine, which is basic and polar, with proline, which is neutral and non-polar, at codon 946 of the KIT protein (p.Arg946Pro). This variant is present in population databases (rs779103998, gnomAD 0.003%). This variant has not been reported in the literature in individuals affected with KIT-related conditions. ClinVar contains an entry for this variant (Variation ID: 1414718). An algorithm developed to predict the effect of missense changes on protein structure and function outputs the following: PolyPhen-2: "Benign". The proline amino acid residue is found in multiple mammalian species, which suggests that this missense change does not adversely affect protein function. In summary, the available evidence is currently insufficient to determine the role of this variant in disease. Therefore, it has been classified as a Variant of Uncertain Significance.

Ambry Genetics
Classification: Likely benign for Hereditary cancer-predisposing syndrome. Last evaluated: 2025-04-03. Review status: criteria provided, single submitter. Criteria: Ambry Variant Classification Scheme 2023. Collection method: clinical testing. Allele origin: germline.